The following is an entry in ClinVar:

ClinVar aggregate classification (germline): Uncertain significance. Review status: criteria provided, multiple submitters, no conflicts (2 of 4 stars). 2 submissions from 2 submitters: Uncertain significance (2). Last evaluated 2026-09-09.

Conditions:
Hereditary cancer-predisposing syndrome. Also called: Neoplastic Syndromes, Hereditary; Hereditary neoplastic syndrome; Hereditary Cancer Syndrome; Tumor predisposition. Identifiers: Orphanet 140162, MedGen C0027672, MeSH D009386, MONDO:0015356.
Familial cancer of breast. Also called: hereditary breast carcinoma; Hereditary breast cancer; BREAST CANCER, FAMILIAL. Identifiers: Orphanet 227535, MedGen C0346153, MONDO:0016419, OMIM 114480. Disease mechanism: loss of function.

Submissions (2):

Ambry Genetics
Classification: Uncertain significance for Hereditary cancer-predisposing syndrome. Last evaluated: 2026-09-09. Review status: criteria provided, single submitter. Criteria: Ambry Variant Classification Scheme 2023. Collection method: clinical testing. Allele origin: germline.
Comment: The p.D208E variant (also known as c.624T>A), located in coding exon 4 of the CHEK2 gene, results from a T to A substitution at nucleotide position 624. The aspartic acid at codon 208 is replaced by glutamic acid, an amino acid with highly similar properties. This amino acid position is highly conserved in available vertebrate species. In addition, the in silico prediction for this alteration is inconclusive. Based on the available evidence, the clinical significance of this variant remains unclear.

Labcorp Genetics (formerly Invitae), Labcorp
Classification: Uncertain significance for Familial cancer of breast. Last evaluated: 2017-03-27. Review status: criteria provided, single submitter. Criteria: Invitae Variant Classification Sherloc (09022015). Collection method: clinical testing. Allele origin: germline.
Comment: In summary, this variant is a novel missense change with uncertain impact on protein function. It has been classified as a Variant of Uncertain Significance. Algorithms developed to predict the effect of missense changes on protein structure and function do not agree on the potential impact of this missense change (SIFT: "Deleterious"; PolyPhen-2: "Benign"; Align-GVGD: "Class C0"). This variant is not present in population databases (ExAC no frequency) and has not been reported in the literature in individuals with a CHEK2-related disease. This sequence change replaces aspartic acid with glutamic acid at codon 208 of the CHEK2 protein (p.Asp208Glu). The aspartic acid residue is highly conserved and there is a small physicochemical difference between aspartic acid and glutamic acid.

Literature cited by the submitters: PubMed 39146382 (cited by Ambry Genetics).

NM_007194.4(CHEK2):c.624T>A (p.Asp208Glu)

Gene: CHEK2 (checkpoint kinase 2; minus strand). Cytogenetic location: 22q12.1.
Variant type: single nucleotide variant.
Coding change: c.624T>A on transcript NM_007194.4 (MANE Select); coding-DNA position 624, T replaced by A.
Protein change: p.Asp208Glu; replaces aspartic acid 208 with glutamic acid.
Molecular consequence: missense variant. On other transcripts: 5 prime UTR variant (2), intron variant (1).
Genome position (GRCh38, 1-based): chr22:28,719,454, A>T on the plus strand (T>A on the coding strand, the complement: CHEK2 is on the minus strand). VCF-style: chr22-28719454-A-T. GRCh37 (hg19) VCF-style: chr22-29115442-A-T.
Other names: c.753T>A, p.Asp251Glu (NM_001005735.3, NM_001438294.1); c.-40T>A (NM_001257387.3, NM_001437942.1); c.717T>A, p.Asp239Glu (NM_001438293.1, NM_001438295.1); c.624T>A, p.Asp208Glu (NM_145862.3); c.482+5432T>A (NM_001349956.3); short protein forms D208E, D251E, D239E.
Identifiers: ClinVar variation 460847 (VCV000460847.10), dbSNP rs1555924474, ClinGen allele CA411105076.